The following is an entry in ClinVar:

NM_001127898.4(CLCN5):c.1324T>C (p.Phe442Leu)

Gene: CLCN5 (chloride voltage-gated channel 5; plus strand). Cytogenetic location: Xp11.23.
Variant type: single nucleotide variant.
Coding change: c.1324T>C on transcript NM_001127898.4 (MANE Select); coding-DNA position 1324, T replaced by C.
Protein change: p.Phe442Leu; replaces phenylalanine 442 with leucine.
Molecular consequence: missense variant.
Genome position (GRCh38, 1-based): chrX:50,086,637, T>C. VCF-style: chrX-50086637-T-C. GRCh37 (hg19) VCF-style: chrX-49851294-T-C.
Other names: c.1114T>C, p.Phe372Leu (NM_000084.5); c.1324T>C, p.Phe442Leu (NM_001127899.4); c.1174T>C, p.Phe392Leu (NM_001282163.2); short protein forms F442L, F372L, F392L.
Identifiers: ClinVar variation 3728048 (VCV003728048.2).

ClinVar aggregate classification (germline): Uncertain significance (1 of 4 stars; one submission).

Submission:

Labcorp Genetics (formerly Invitae), Labcorp
Classification: Uncertain significance. Last evaluated: 2024-12-24. Review status: criteria provided, single submitter. Criteria: Invitae Variant Classification Sherloc (09022015). Collection method: clinical testing. Allele origin: germline.
Comment: This sequence change replaces phenylalanine, which is neutral and non-polar, with leucine, which is neutral and non-polar, at codon 372 of the CLCN5 protein (p.Phe372Leu). This variant is not present in population databases (gnomAD no frequency). This variant has not been reported in the literature in individuals affected with CLCN5-related conditions. An algorithm developed to predict the effect of missense changes on protein structure and function (PolyPhen-2) suggests that this variant is likely to be tolerated. In summary, the available evidence is currently insufficient to determine the role of this variant in disease. Therefore, it has been classified as a Variant of Uncertain Significance.